The following is an entry in ClinVar:

ClinVar aggregate classification (germline): Conflicting classifications of pathogenicity. Review status: criteria provided, conflicting classifications (1 of 4 stars). 3 submissions from 3 submitters: Uncertain significance (1); Benign (1). 1 of the submissions does not count toward it. Last evaluated 2026-02-04.

Conditions:
FREM2-related disorder. Also called: FREM2-related condition.
Fraser syndrome 2 (FRASRS2). Identifiers: MedGen C4540036, MONDO:0054738, OMIM 617666.

Allele frequency attached by ClinVar (database versions not stated): TOPMed 0.00010; ESP Exome Variant Server 0.00015; 1000 Genomes Project 30x 0.00016; 1000 Genomes Project 0.00020; gnomAD exomes 0.00039 and 0.00074; ExAC 0.00062; gnomAD 0.00082 and 0.00088.

Submissions (3):

Labcorp Genetics (formerly Invitae), Labcorp
Classification: Benign. Last evaluated: 2026-02-04. Review status: criteria provided, single submitter. Criteria: Invitae Variant Classification Sherloc (09022015). Collection method: clinical testing. Allele origin: germline.

Illumina Laboratory Services, Illumina
Classification: Uncertain significance for Fraser syndrome 2. Last evaluated: 2018-01-13. Review status: criteria provided, single submitter. Criteria: ICSL Variant Classification Criteria 13 December 2019. Collection method: clinical testing. Allele origin: germline.

PreventionGenetics, part of Exact Sciences
Classification: Likely benign for FREM2-related condition. Last evaluated: 2019-08-06. Review status: no assertion criteria provided. Collection method: clinical testing. Allele origin: germline. Not counted in ClinVar's aggregate classification.
Comment: This variant is classified as likely benign based on ACMG/AMP sequence variant interpretation guidelines (Richards et al. 2015 PMID: 25741868, with internal and published modifications).

NM_207361.6(FREM2):c.8671+14A>G

Gene: FREM2 (FRAS1 related extracellular matrix 2; plus strand). Cytogenetic location: 13q13.3.
Variant type: single nucleotide variant.
Coding change: c.8671+14A>G on transcript NM_207361.6 (MANE Select); 14 bases into the intron after coding-DNA position 8671, A replaced by G.
Molecular consequence: intron variant.
Genome position (GRCh38, 1-based): chr13:38,877,257, A>G. VCF-style: chr13-38877257-A-G. GRCh37 (hg19) VCF-style: chr13-39451394-A-G.
Other names: c.8671+14A>G (NM_207361.5).
Identifiers: ClinVar variation 312032 (VCV000312032.10), dbSNP rs182974545, ClinGen allele CA6956187.